The following is an entry in ClinVar:

NM_001386135.1(AFF3):c.3399G>C (p.Gln1133His)

Gene: AFF3 (ALF transcription elongation factor 3; minus strand). Cytogenetic location: 2q11.2.
Variant type: single nucleotide variant.
Coding change: c.3399G>C on transcript NM_001386135.1 (MANE Select); coding-DNA position 3399, G replaced by C.
Protein change: p.Gln1133His; replaces glutamine 1133 with histidine.
Molecular consequence: missense variant.
Genome position (GRCh38, 1-based): chr2:99,554,471, C>G on the plus strand (G>C on the coding strand, the complement: AFF3 is on the minus strand). VCF-style: chr2-99554471-C-G. GRCh37 (hg19) VCF-style: chr2-100170933-C-G.
Other names: c.3474G>C, p.Gln1158His (NM_001025108.2); c.3399G>C, p.Gln1133His (NM_002285.3); short protein forms Q1133H, Q1158H.
Identifiers: ClinVar variation 4571441 (VCV004571441.1).
Genomic context (GRCh38, chr2:99,554,471, plus strand): 5'-GCGCTGTGGGATGCTGACGATGGTCGACGGGGACAGGGCGCTGGCGTTGGAGAGGCTGCC[C>G]TGAGACCCCACGGAGCTGGCGGGAGAGGGGTTGGGAGACATGGGGGATGGGGTTCCAGTG-3'
Protein context (NP_001373064.1, residues 1123-1143): NPSPASSVGS[Gln1133His]GSLSNASALS

ClinVar aggregate classification (germline): Uncertain significance (1 of 4 stars; one submission).

Conditions:
Inborn genetic diseases. Identifiers: MedGen C0950123, MeSH D030342.

gnomAD v4.1: 18 of 1,613,904 alleles (0.0011%); highest among the groups gnomAD compares: African/African-American, 0.017%; no homozygotes.

Submission:

Ambry Genetics
Classification: Uncertain significance for Inborn genetic diseases. Last evaluated: 2025-12-04. Review status: criteria provided, single submitter. Criteria: Ambry Variant Classification Scheme 2023. Collection method: clinical testing. Allele origin: germline.
Comment: The c.3474G>C (p.Q1158H) alteration is located in exon 23 (coding exon 22) of the AFF3 gene. This alteration results from a G to C substitution at nucleotide position 3474, causing the glutamine (Q) at amino acid position 1158 to be replaced by a histidine (H). Based on data from gnomAD, the C allele has an overall frequency of 0.002% (5/282406) total alleles studied. The highest observed frequency was 0.02% (5/24950) of African alleles. Based on insufficient or conflicting evidence, the clinical significance of this alteration remains unclear.